The following is an entry in ClinVar:

NM_020297.4(ABCC9):c.845C>T (p.Thr282Ile)

Gene: ABCC9 (ATP binding cassette subfamily C member 9; minus strand). Cytogenetic location: 12p12.1.
Variant type: single nucleotide variant.
Coding change: c.845C>T on transcript NM_020297.4 (MANE Select); coding-DNA position 845, C replaced by T.
Protein change: p.Thr282Ile; replaces threonine 282 with isoleucine.
Molecular consequence: missense variant. On other transcripts: 5 prime UTR variant (1).
Genome position (GRCh38, 1-based): chr12:21,913,038, G>A on the plus strand (C>T on the coding strand, the complement: ABCC9 is on the minus strand). VCF-style: chr12-21913038-G-A. GRCh37 (hg19) VCF-style: chr12-22065972-G-A.
Other names: c.845C>T, p.Thr282Ile (NM_001377273.1, NM_005691.4); c.-20C>T (NM_001377274.1); short protein forms T282I.
Identifiers: ClinVar variation 3343028 (VCV003343028.1).

ClinVar aggregate classification (germline): Uncertain significance (1 of 4 stars; one submission).

Submission:

GeneDx
Classification: Uncertain significance. Last evaluated: 2024-01-31. Review status: criteria provided, single submitter. Criteria: GeneDx Variant Classification Process June 2021. Collection method: clinical testing. Allele origin: germline. Affected: yes.
Comment: Not observed at significant frequency in large population cohorts (gnomAD); In silico analysis supports that this missense variant does not alter protein structure/function; Has not been previously published as pathogenic or benign to our knowledge